The following is an entry in ClinVar:

ClinVar aggregate classification (germline): Uncertain significance (1 of 4 stars; one submission).

Allele frequency attached by ClinVar (database versions not stated): gnomAD exomes below 0.00001; TOPMed below 0.00001.
gnomAD v4.1: 8 of 1,613,898 alleles (0.0005%); highest among the groups gnomAD compares: Non-Finnish European, 0.00051%; no homozygotes.

Submission:

Labcorp Genetics (formerly Invitae), Labcorp
Classification: Uncertain significance. Last evaluated: 2020-01-20. Review status: criteria provided, single submitter. Criteria: Invitae Variant Classification Sherloc (09022015). Collection method: clinical testing. Allele origin: germline.
Comment: In summary, the available evidence is currently insufficient to determine the role of this variant in disease. Therefore, it has been classified as a Variant of Uncertain Significance. Algorithms developed to predict the effect of missense changes on protein structure and function are either unavailable or do not agree on the potential impact of this missense change (SIFT: "Deleterious"; PolyPhen-2: "Benign"; Align-GVGD: "Class C0"). This variant has not been reported in the literature in individuals with PROM1-related conditions. This variant is not present in population databases (ExAC no frequency). This sequence change replaces phenylalanine with serine at codon 174 of the PROM1 protein (p.Phe174Ser). The phenylalanine residue is weakly conserved and there is a large physicochemical difference between phenylalanine and serine.

NM_006017.3(PROM1):c.521T>C (p.Phe174Ser)

Gene: PROM1 (prominin 1; minus strand). Cytogenetic location: 4p15.32.
Variant type: single nucleotide variant.
Coding change: c.521T>C on transcript NM_006017.3 (MANE Select); coding-DNA position 521, T replaced by C.
Protein change: p.Phe174Ser; replaces phenylalanine 174 with serine.
Molecular consequence: missense variant.
Genome position (GRCh38, 1-based): chr4:16,025,301, A>G on the plus strand (T>C on the coding strand, the complement: PROM1 is on the minus strand). VCF-style: chr4-16025301-A-G. GRCh37 (hg19) VCF-style: chr4-16026924-A-G.
Other names: c.494T>C, p.Phe165Ser (NM_001145847.2, NM_001145848.2, NM_001145851.2 and 4 more transcripts); c.521T>C, p.Phe174Ser (NM_001145849.2, NM_001145850.2); short protein forms F165S, F174S.
Identifiers: ClinVar variation 1056794 (VCV001056794.9), dbSNP rs1253500500, ClinGen allele CA356424932.